The following is an entry in ClinVar:

ClinVar aggregate classification (germline): Conflicting classifications of pathogenicity. Review status: criteria provided, conflicting classifications (1 of 4 stars). 4 submissions from 3 submitters: Uncertain significance (2); Likely benign (2). Last evaluated 2025-12-15.

Conditions:
Lethal Kniest-like syndrome (DDSH). Also called: Dyssegmental Dysplasia. Identifiers: Orphanet 1865, MedGen C1857100, MONDO:0009140, OMIM 224410.
Schwartz-Jampel syndrome. Also called: Myotonic myopathy dwarfism chondrodystrophy and ocular and facial abnormalities. Identifiers: Orphanet 800, MedGen C0036391, MONDO:0009717.

Allele frequency attached by ClinVar (database versions not stated): gnomAD 0.00001; ExAC 0.00008.

Submissions (4):

Labcorp Genetics (formerly Invitae), Labcorp
Classification: Likely benign. Last evaluated: 2025-12-15. Review status: criteria provided, single submitter. Criteria: Invitae Variant Classification Sherloc (09022015). Collection method: clinical testing. Allele origin: germline.

CeGaT Center for Human Genetics Tuebingen
Classification: Likely benign. Last evaluated: 2023-03-01. Review status: criteria provided, single submitter. Criteria: CeGaT Center For Human Genetics Tuebingen Variant Classification Criteria Version 2. Collection method: clinical testing. Allele origin: germline. Affected: yes. Observed: 1 variant allele.
Comment: HSPG2: BP4, BP7

Illumina Laboratory Services, Illumina
Classification: Uncertain significance for Schwartz-Jampel syndrome type 1. Last evaluated: 2018-01-13. Review status: criteria provided, single submitter. Criteria: ICSL Variant Classification Criteria 13 December 2019. Collection method: clinical testing. Allele origin: germline.

Illumina Laboratory Services, Illumina
Classification: Uncertain significance for Lethal Kniest-like syndrome. Last evaluated: 2018-01-13. Review status: criteria provided, single submitter. Criteria: ICSL Variant Classification Criteria 13 December 2019. Collection method: clinical testing. Allele origin: germline.

NM_005529.7(HSPG2):c.7119G>A (p.Thr2373=)

Gene: HSPG2 (heparan sulfate proteoglycan 2; minus strand). Cytogenetic location: 1p36.12.
Variant type: single nucleotide variant.
Coding change: c.7119G>A on transcript NM_005529.7 (MANE Select); coding-DNA position 7119, G replaced by A.
Protein change: p.Thr2373=; no amino-acid change (threonine 2373 retained).
Molecular consequence: synonymous variant.
Genome position (GRCh38, 1-based): chr1:21,851,585, C>T on the plus strand (G>A on the coding strand, the complement: HSPG2 is on the minus strand). VCF-style: chr1-21851585-C-T. GRCh37 (hg19) VCF-style: chr1-22178078-C-T.
Other names: c.7122G>A, p.Thr2374= (NM_001291860.2).
Identifiers: ClinVar variation 735835 (VCV000735835.35), dbSNP rs764531754, ClinGen allele CA671308.
Genomic context (GRCh38, chr1:21,851,585, plus strand): 5'-GTCTGTCCTCCAGTCCCATACCTGGTGCCGGACAGGGAGGCTGCCCCCACGCTTGTGCCA[C>T]GTGACCTGGGCATGGGACTGCCCGGGCACCACGCAGTTCAGATCCAGGGTCTGCCCTTCC-3'
Protein context (NP_005520.4, residues 2363-2383): VVPGQSHAQV[Thr2373=]WHKRGGSLPV